The following is an entry in ClinVar:

ClinVar aggregate classification (germline): Pathogenic/Likely pathogenic. Review status: criteria provided, multiple submitters, no conflicts (2 of 4 stars). 13 submissions from 13 submitters: Pathogenic (7); Likely pathogenic (4). 2 of the submissions do not count toward it. Last evaluated 2025-09-24.

Conditions:
Breast and/or ovarian cancer. Identifiers: MedGen CN221562.
Hereditary cancer-predisposing syndrome. Also called: Hereditary Cancer Syndrome; Tumor predisposition; Hereditary neoplastic syndrome; Neoplastic Syndromes, Hereditary. Identifiers: Orphanet 140162, MedGen C0027672, MeSH D009386, MONDO:0015356.
Breast-ovarian cancer, familial, susceptibility to, 2 (BROVCA2). Also called: BRCA2 Hereditary Breast and Ovarian Cancer. Identifiers: Orphanet 145, MedGen C2675520, MONDO:0012933, OMIM 612555. Disease mechanism: loss of function.
Familial cancer of breast. Also called: Hereditary breast cancer; BREAST CANCER, FAMILIAL; hereditary breast carcinoma. Identifiers: Orphanet 227535, MedGen C0346153, MONDO:0016419, OMIM 114480. Disease mechanism: loss of function.
Hereditary breast ovarian cancer syndrome. Also called: Hereditary breast and/or ovarian cancer syndrome; Hereditary breast and ovarian cancer syndrome; Hereditary breast and ovarian cancer syndrome (HBOC); Hereditary breast and ovarian cancer; Breast and ovarian cancer; BRCA1- and BRCA2-Associated Hereditary Breast and Ovarian Cancer. Identifiers: Orphanet 145, MedGen C0677776, MeSH D061325, MONDO:0003582. Disease mechanism: loss of function.
BRCA2-related disorder. Also called: BRCA2-related condition; BRCA2-related disorders. Identifiers: MedGen CN239275.

Allele frequency attached by ClinVar (database versions not stated): gnomAD exomes 0.00001.
gnomAD v4.1: 6 of 1,614,210 alleles (0.00037%); highest among the groups gnomAD compares: Non-Finnish European, 0.00051%; no homozygotes.

Submissions 1 to 6 of 13:

Ambry Genetics
Classification: Likely pathogenic for Hereditary cancer-predisposing syndrome. Last evaluated: 2025-09-24. Review status: criteria provided, single submitter. Criteria: Ambry Variant Classification Scheme 2023. Collection method: clinical testing. Allele origin: germline.
Comment: The p.L2653P variant (also known as c.7958T>C), located in coding exon 16 of the BRCA2 gene, results from a T to C substitution at nucleotide position 7958. The leucine at codon 2653 is replaced by proline, an amino acid with similar properties. This alteration has been detected in multiple individuals with a personal and/or family history of breast and/or ovarian cancer (Farrugia DJ et al. Cancer Res. 2008 May;68:3523-31; Bernards SS et al. Gynecol. Oncol. 2016 Feb;140:221-5; Flaum N et al. Genet Med, 2022 Dec;24:2578-2586). The p.L2653P variant is located in the DNA binding domain of BRCA2 and has been shown in multiple studies to significantly decrease DNA damage repair activity (Farrugia DJ et al. Cancer Res. 2008 May;68:3523-31; Biswas K et al. Hum. Mol. Genet. 2012 Sep;21:3993-4006; Guidugli L et al. Cancer Res. 2013 Jan;73:265-75; Guidugli L et al. Am. J. Hum. Genet. 2018 02;102:233-248; Hart SN et al. Genet. Med. 2019 01;21:71-80; Mesman RLS et al. Genet. Med., 2019 02;21:293-302; Richardson ME et al. Am J Hum Genet, 2021 Mar;108:458-468). Two saturation genome editing-based studies, including a haploid cell-survival assay and a humanized mouse embryonic stem cell line assay of drug response and survival, demonstrate that this nucleotide substitution is non-functional (Huang H et al. Nature. 2025 Feb;638(8050):528-537; Sahu S et al. Nature. 2025 Feb;638(8050):538-545). This amino acid position is highly conserved in available vertebrate species. In addition, this alteration is predicted to be deleterious by in silico analysis. This variant is considered to be rare based on population cohorts in the Genome Aggregation Database (gnomAD). Based on the majority of available evidence to date, this variant is likely to be pathogenic.

Quest Diagnostics Nichols Institute San Juan Capistrano
Classification: Pathogenic. Last evaluated: 2025-08-13. Review status: criteria provided, single submitter. Criteria: Quest Diagnostics criteria. Collection method: clinical testing. Allele origin: unknown.
Comment: The BRCA2 c.7958T>C (p.Leu2653Pro) variant has been reported in the published literature in individuals and families with breast and/or ovarian cancer in the published literature (PMIDs: 36169650 (2022), 33471991 (2021), see also LOVD), 29061967 (2017), 26718727 (2016), 22678057 (2012)), as well as in a reportedly unaffected individual in a large-scale breast cancer association study (PMID: 33471991 (2021), see also LOVD). Assessment of experimental evidence suggests this variant is detrimental to normal BRCA2 protein function (PMIDs: 29394989 (2018), 23108138 (2013), 22678057 (2012), 18451181 (2008)), and multifactorial analyses in the published literature strongly support pathogenicity of this variant (PMIDs: 23108138 (2013), 21990134 (2012), 19043619 (2008), 17924331 (2007)). This variant has not been reported in large, multi-ethnic general populations (Genome Aggregation Database). Analysis of this variant using bioinformatics tools for the prediction of the effect of amino acid changes on protein structure and function yielded predictions that this variant is damaging. Based on the available information, this variant is classified as pathogenic.

GeneDx
Classification: Pathogenic. Last evaluated: 2025-06-20. Review status: criteria provided, single submitter. Criteria: GeneDx Variant Classification Process June 2021. Collection method: clinical testing. Allele origin: germline. Affected: yes.
Comment: Observed in individuals with a personal or family history consistent with pathogenic variants in this gene, and is shown to segregate with disease in multiple families (PMID: 26718727, 21218378, 22678057); Published functional studies demonstrate a damaging effect: defective homology-directed repair activity (PMID: 22678057, 23108138, 29988080, 29884841, 32444794, 33609447); Multifactorial studies suggest this variant is associated with breast and ovarian cancer (PMID: 21990134); In silico analysis suggests that this missense variant does not alter protein structure/function; Not observed at significant frequency in large population cohorts (gnomAD); Also known as 8186T>C; This variant is associated with the following publications: (PMID: 17924331, 11698567, 21218378, 24333842, 36169650, 34887416, 19043619, 22678057, 24323938, 18451181, 26718727, 25447315, 27067391, 28339459, 29988080, 32444794, 29884841, 33964450, 30702160, 31825140, 32719484, 29446198, 21990134, 23108138, 33609447, 30696104, 33804961, 35665744, 29394989, 35736817, 12228710, 39779848, 39779857)

Labcorp Genetics (formerly Invitae), Labcorp
Classification: Pathogenic for Hereditary breast ovarian cancer syndrome. Last evaluated: 2024-12-22. Review status: criteria provided, single submitter. Criteria: Invitae Variant Classification Sherloc (09022015). Collection method: clinical testing. Allele origin: germline.
Comment: This sequence change replaces leucine, which is neutral and non-polar, with proline, which is neutral and non-polar, at codon 2653 of the BRCA2 protein (p.Leu2653Pro). This variant is not present in population databases (gnomAD no frequency). This missense change has been observed in individual(s) with breast and/or ovarian cancer (PMID: 22678057, 29061967). It has also been observed to segregate with disease in related individuals. ClinVar contains an entry for this variant (Variation ID: 52447). Invitae Evidence Modeling incorporating data from in vitro experimental studies (PMID: 33609447) indicates that this missense variant is expected to disrupt BRCA2 function with a positive predictive value of 95%. Experimental studies have shown that this missense change affects BRCA2 function (PMID: 22678057). For these reasons, this variant has been classified as Pathogenic.

Color Diagnostics, LLC DBA Color Health
Classification: Pathogenic for Hereditary cancer-predisposing syndrome. Last evaluated: 2023-04-21. Review status: criteria provided, single submitter. Criteria: ACMG Guidelines, 2015. Collection method: clinical testing. Allele origin: germline.
Comment: This missense variant replaces leucine with proline at codon 2653 in the DNA binding domain of the BRCA2 protein. Computational prediction suggests that this variant may have deleterious impact on protein structure and function (internally defined REVEL score threshold >= 0.7, PMID: 27666373). Functional studies have shown that this variant results in the loss of homology-directed DNA repair activity of the BRCA2 protein (PMID: 18451181, 22678057, 23108138, 24323938, 29394989, 33609447). This variant has been reported in individuals affected with breast cancer and ovarian cancer (PMID: 24333842, 26718727, 29371908; Color internal data). This variant has not been identified in the general population by the Genome Aggregation Database (gnomAD). Based on the available evidence, this variant is classified as Pathogenic.

Women's Health and Genetics/Laboratory Corporation of America, LabCorp
Classification: Pathogenic for Hereditary breast ovarian cancer syndrome. Last evaluated: 2022-10-28. Review status: criteria provided, single submitter. Criteria: LabCorp Variant Classification Summary - May 2015. Collection method: clinical testing. Allele origin: germline.
Comment: Variant summary: BRCA2 c.7958T>C (p.Leu2653Pro) results in a non-conservative amino acid change located in the helical domain (IPR015252) of the encoded protein sequence. Five of five in-silico tools predict a damaging effect of the variant on protein function. The variant was absent in 251260 control chromosomes (gnomAD). c.7958T>C has been reported in the literature in multiple individuals affected with breast and ovarian cancers, including those with a personal and/or family history of these cancers (e.g. Carney_2010, Bernards_2016, Lang_2017, Carter_2018, Rebbeck_2018). These data indicate that the variant is likely associated with disease. Multiple functional studies report experimental evidence evaluating an impact on protein function and show a damaging effect of this variant on homology directed repair (HDR) activity (e.g. Biswas_2012, Guidugli_2012, Ikegami_2020). HDR assays qualify as a recognized gold standard on the basis of updated guidance provided by the ClinGen Sequence Variant Interpretation (SVI) working group. Seven submitters have provided clinical-significance assessments for this variant to ClinVar after 2014 and all classified the variant as either pathogenic (n=5) or likely pathogenic (n=2). Based on the evidence outlined above, the variant was classified as pathogenic.

NM_000059.4(BRCA2):c.7958T>C (p.Leu2653Pro)

Gene: BRCA2 (BRCA2 DNA repair associated; plus strand). Cytogenetic location: 13q13.1.
Variant type: single nucleotide variant.
Coding change: c.7958T>C on transcript NM_000059.4 (MANE Select); coding-DNA position 7958, T replaced by C.
Protein change: p.Leu2653Pro; replaces leucine 2653 with proline.
Molecular consequence: missense variant.
Genome position (GRCh38, 1-based): chr13:32,362,675, T>C. VCF-style: chr13-32362675-T-C. GRCh37 (hg19) VCF-style: chr13-32936812-T-C.
Other names: 8186T>C; short protein forms L2653P.
Identifiers: ClinVar variation 52447 (VCV000052447.41), dbSNP rs80359022, ClinGen allele CA025354.
Genomic context (GRCh38, chr13:32,362,675, plus strand): 5'-CTATGGAATGTGCCTTTCCTAAGGAATTTGCTAATAGATGCCTAAGCCCAGAAAGGGTGC[T>C]TCTTCAACTAAAATACAGGCAAGTTTAAAGCATTACATTACGTAATCATATACGGCAGTA-3'
Protein context (NP_000050.3, residues 2643-2663): ANRCLSPERV[Leu2653Pro]LQLKYRYDTE